The following is an entry in ClinVar:

NM_001393938.1(ZNF888):c.1689A>T (p.Ser563=)

Gene: ZNF888 (zinc finger protein 888; minus strand). Cytogenetic location: 19q13.41.
Variant type: single nucleotide variant.
Coding change: c.1689A>T on transcript NM_001393938.1 (MANE Select); coding-DNA position 1689, A replaced by T.
Protein change: p.Ser563=; no amino-acid change (serine 563 retained).
Molecular consequence: synonymous variant.
Genome position (GRCh38, 1-based): chr19:52,906,633, T>A on the plus strand (A>T on the coding strand, the complement: ZNF888 is on the minus strand). VCF-style: chr19-52906633-T-A. GRCh37 (hg19) VCF-style: chr19-53409886-T-A.
Other names: c.1689A>T, p.Ser563= (NM_001310127.2, NM_001384653.1); c.1746A>T, p.Ser582= (NM_001384652.1); c.1581A>T, p.Ser527= (NM_001384654.1, NM_001384655.1, NM_001384656.1).
Identifiers: ClinVar variation 2650399 (VCV002650399.24), dbSNP rs145845241, ClinGen allele CA309939523.
Genomic context (GRCh38, chr19:52,906,633, plus strand): 5'-ACATTCATTACACTTGTAAGGTTTCTCTCCAGTATGAAGTCTATGATGATATGCAAGGCT[T>A]GATTTGTGATTAAAACTTTTGCCACATTCATTACACTTGTAACGTTTCTCTCCAGTATGA-3'
Protein context (NP_001380867.1, residues 553-573): NECGKSFNHK[Ser563=]SLAYHHRLHT

ClinVar aggregate classification (germline): Likely benign (1 of 4 stars; one submission).

Allele frequency attached by ClinVar (database versions not stated): 1000 Genomes Project 30x 0.00109; 1000 Genomes Project 0.00120; TOPMed 0.00457; gnomAD 0.00466.
gnomAD v4.1: 10,956 of 1,613,884 alleles (0.68%); highest among the groups gnomAD compares: Non-Finnish European, 0.82%; 55 homozygotes.

Submission:

CeGaT Center for Human Genetics Tuebingen
Classification: Likely benign. Last evaluated: 2022-05-01. Review status: criteria provided, single submitter. Criteria: CeGaT Center For Human Genetics Tuebingen Variant Classification Criteria Version 2. Collection method: clinical testing. Allele origin: germline. Affected: yes. Observed: 1 variant allele.
Comment: ZNF888: BP4, BP7